The following is an entry in ClinVar:

NM_000368.5(TSC1):c.3113G>T (p.Ser1038Ile)

Gene: TSC1 (TSC complex subunit 1; minus strand). Cytogenetic location: 9q34.13.
Variant type: single nucleotide variant.
Coding change: c.3113G>T on transcript NM_000368.5 (MANE Select); coding-DNA position 3113, G replaced by T.
Protein change: p.Ser1038Ile; replaces serine 1038 with isoleucine.
Molecular consequence: missense variant.
Genome position (GRCh38, 1-based): chr9:132,896,617, C>A on the plus strand (G>T on the coding strand, the complement: TSC1 is on the minus strand). VCF-style: chr9-132896617-C-A. GRCh37 (hg19) VCF-style: chr9-135772004-C-A.
Other names: c.3110G>T, p.Ser1037Ile (NM_001162426.2); c.2960G>T, p.Ser987Ile (NM_001162427.2); c.2750G>T, p.Ser917Ile (NM_001362177.2); short protein forms S1038I, S917I, S987I, S1037I.
Identifiers: ClinVar variation 956947 (VCV000956947.9), dbSNP rs1060503196, ClinGen allele CA375367388.

ClinVar aggregate classification (germline): Uncertain significance (1 of 4 stars; one submission).

Conditions:
Tuberous sclerosis 1 (TSC1). Identifiers: Orphanet 805, MedGen C1854465, MONDO:0008612, OMIM 191100.

Allele frequency attached by ClinVar (database versions not stated): TOPMed 0.00001.

Submission:

Labcorp Genetics (formerly Invitae), Labcorp
Classification: Uncertain significance for Tuberous sclerosis 1. Last evaluated: 2019-09-09. Review status: criteria provided, single submitter. Criteria: Invitae Variant Classification Sherloc (09022015). Collection method: clinical testing. Allele origin: germline.
Comment: This sequence change replaces serine with isoleucine at codon 1038 of the TSC1 protein (p.Ser1038Ile). The serine residue is weakly conserved and there is a large physicochemical difference between serine and isoleucine. This variant is not present in population databases (ExAC no frequency). In summary, the available evidence is currently insufficient to determine the role of this variant in disease. Therefore, it has been classified as a Variant of Uncertain Significance. Algorithms developed to predict the effect of missense changes on protein structure and function (SIFT, PolyPhen-2, Align-GVGD) all suggest that this variant is likely to be tolerated, but these predictions have not been confirmed by published functional studies and their clinical significance is uncertain. This variant has not been reported in the literature in individuals with TSC1-related conditions.